The following is an entry in ClinVar:

NM_020975.6(RET):c.559C>G (p.Gln187Glu)

Gene: RET (ret proto-oncogene; plus strand). Cytogenetic location: 10q11.21.
Variant type: single nucleotide variant.
Coding change: c.559C>G on transcript NM_020975.6 (MANE Select); coding-DNA position 559, C replaced by G.
Protein change: p.Gln187Glu; replaces glutamine 187 with glutamic acid.
Molecular consequence: missense variant. On other transcripts: intron variant (15).
Genome position (GRCh38, 1-based): chr10:43,102,563, C>G. VCF-style: chr10-43102563-C-G. GRCh37 (hg19) VCF-style: chr10-43598011-C-G.
Other names: c.559C>G, p.Gln187Glu (NM_000323.2, NM_001406743.1, NM_001406744.1 and 16 more transcripts); c.430C>G, p.Gln144Glu (NM_001406761.1, NM_001406762.1, NM_001406764.1 and 4 more transcripts); c.337+1841C>G (NM_001406770.1, NM_001406766.1, NM_001406767.1 and 8 more transcripts); c.74-6468C>G (NM_001406784.1); c.74-9536C>G (NM_001406794.1, NM_001406792.1, NM_001406793.1); short protein forms Q187E, Q144E.
Identifiers: ClinVar variation 3003809 (VCV003003809.4), dbSNP rs2132683612, ClinGen allele CA376543490.
Genomic context (GRCh38, chr10:43,102,563, plus strand): 5'-TTCCCAGAGACAAGGCCCTCCTTCCGCATTCGGGAGAACCGACCCCCAGGCACCTTCCAC[C>G]AGTTCCGCCTGCTGCCTGTGCAGTTCTTGTGCCCCAACATCAGCGTGGCCTACAGGCTCC-3'
Protein context (NP_066124.1, residues 177-197): RENRPPGTFH[Gln187Glu]FRLLPVQFLC

ClinVar aggregate classification (germline): Uncertain significance. Review status: criteria provided, multiple submitters, no conflicts (2 of 4 stars). 2 submissions from 2 submitters: Uncertain significance (2). Last evaluated 2024-09-09.

Conditions:
Hereditary cancer-predisposing syndrome. Also called: Hereditary Cancer Syndrome; Neoplastic Syndromes, Hereditary; Tumor predisposition; Hereditary neoplastic syndrome. Identifiers: Orphanet 140162, MedGen C0027672, MeSH D009386, MONDO:0015356.
Multiple endocrine neoplasia, type 2 (MEN2). Identifiers: Orphanet 653, MedGen C4048306, MONDO:0019003. Disease mechanism: gain of function.

Allele frequency attached by ClinVar (database versions not stated): gnomAD exomes below 0.00001.
gnomAD v4.1: 1 of 1,614,244 alleles (0.000062%); highest among the groups gnomAD compares: Non-Finnish European, 0.000085%; no homozygotes.

Submissions (2):

Ambry Genetics
Classification: Uncertain significance for Hereditary cancer-predisposing syndrome. Last evaluated: 2024-09-09. Review status: criteria provided, single submitter. Criteria: Ambry Variant Classification Scheme 2023. Collection method: clinical testing. Allele origin: germline.
Comment: The p.Q187E variant (also known as c.559C>G), located in coding exon 3 of the RET gene, results from a C to G substitution at nucleotide position 559. The glutamine at codon 187 is replaced by glutamic acid, an amino acid with highly similar properties. This amino acid position is conserved. In addition, this alteration is predicted to be tolerated by in silico analysis. Based on the available evidence, the clinical significance of this variant remains unclear.

Labcorp Genetics (formerly Invitae), Labcorp
Classification: Uncertain significance for Multiple endocrine neoplasia, type 2. Last evaluated: 2023-01-23. Review status: criteria provided, single submitter. Criteria: Invitae Variant Classification Sherloc (09022015). Collection method: clinical testing. Allele origin: germline.
Comment: In summary, the available evidence is currently insufficient to determine the role of this variant in disease. Therefore, it has been classified as a Variant of Uncertain Significance. Algorithms developed to predict the effect of missense changes on protein structure and function (SIFT, PolyPhen-2, Align-GVGD) all suggest that this variant is likely to be tolerated. This variant has not been reported in the literature in individuals affected with RET-related conditions. This variant is not present in population databases (gnomAD no frequency). This sequence change replaces glutamine, which is neutral and polar, with glutamic acid, which is acidic and polar, at codon 187 of the RET protein (p.Gln187Glu).